The following is an entry in ClinVar:

NM_000218.3(KCNQ1):c.1394-34447C>A

Genes: KCNQ1 (potassium voltage-gated channel subfamily Q member 1; plus strand), KCNQ1OT1 (KCNQ1 opposite strand/antisense transcript 1; minus strand). Cytogenetic location: 11p15.5.
Variant type: single nucleotide variant.
Coding change: c.1394-34447C>A on transcript NM_000218.3 (MANE Select); 34447 bases into the intron before coding-DNA position 1394, C replaced by A.
Molecular consequence: intron variant.
Genome position (GRCh38, 1-based): chr11:2,627,514, C>A. VCF-style: chr11-2627514-C-A. GRCh37 (hg19) VCF-style: chr11-2648744-C-A.
Other names: c.1394-34447C>A (NM_000218.2); c.1124-34447C>A (NM_001406837.1); c.1298-34447C>A (NM_001406836.1); c.854-34447C>A (NM_001406838.1); c.1013-34447C>A (NM_181798.2).
Identifiers: ClinVar variation 1694596 (VCV001694596.32), dbSNP rs574299058, ClinGen allele CA216365264.

ClinVar aggregate classification (germline): Benign. Review status: criteria provided, single submitter (1 of 4 stars). 2 submissions from 2 submitters: Benign (1). 1 of the submissions does not count toward it. Last evaluated 2026-06-01.

Conditions:
KCNQ1-related disorder. Also called: KCNQ1-related condition; KCNQ1-related disorders. Identifiers: MedGen CN239322.

Allele frequency attached by ClinVar (database versions not stated): TOPMed 0.00062.
gnomAD v4.1: 390 of 398,498 alleles (0.098%); highest among the groups gnomAD compares: Admixed American, 0.13%; no homozygotes.

Submissions (2):

CeGaT Center for Human Genetics Tuebingen
Classification: Benign. Last evaluated: 2026-06-01. Review status: criteria provided, single submitter. Criteria: CeGaT Center For Human Genetics Tuebingen Variant Classification Criteria Version 2. Collection method: clinical testing. Allele origin: germline. Affected: yes. Observed: 17 variant alleles.
Comment: KCNQ1OT1: BS1, BS2

PreventionGenetics, part of Exact Sciences
Classification: Likely benign for KCNQ1-related condition. Last evaluated: 2023-01-05. Review status: no assertion criteria provided. Collection method: clinical testing. Allele origin: germline. Not counted in ClinVar's aggregate classification.
Comment: This variant is classified as likely benign based on ACMG/AMP sequence variant interpretation guidelines (Richards et al. 2015 PMID: 25741868, with internal and published modifications).